The following is an entry in ClinVar:

NM_000540.3(RYR1):c.11885A>G (p.Asn3962Ser)

Gene: RYR1 (ryanodine receptor 1; plus strand). Cytogenetic location: 19q13.2.
Variant type: single nucleotide variant.
Coding change: c.11885A>G on transcript NM_000540.3 (MANE Select); coding-DNA position 11885, A replaced by G.
Protein change: p.Asn3962Ser; replaces asparagine 3962 with serine.
Molecular consequence: missense variant.
Genome position (GRCh38, 1-based): chr19:38,543,638, A>G. VCF-style: chr19-38543638-A-G. GRCh37 (hg19) VCF-style: chr19-39034278-A-G.
Other names: c.11870A>G, p.Asn3957Ser (NM_001042723.2); short protein forms N3962S, N3957S.
Identifiers: ClinVar variation 2155655 (VCV002155655.4), dbSNP rs1002771389, ClinGen allele CA308092185.

ClinVar aggregate classification (germline): Uncertain significance. Review status: criteria provided, multiple submitters, no conflicts (2 of 4 stars). 3 submissions from 3 submitters: Uncertain significance (3). Last evaluated 2024-05-30.

Conditions:
RYR1-related disorder. Also called: RYR1-related disorders; RYR1-related condition. Identifiers: MedGen CN239331.
Malignant hyperthermia, susceptibility to, 1 (MHS1). Also called: Malignant hyperthermia suceptibility 1; Anesthesia related hyperthermia; Malignant hyperpyrexia; Fulminating hyperpyrexia; Pharmacogenic myopathy; RYR1-Related Malignant Hyperthermia Susceptibility. Identifiers: Orphanet 423, MedGen C2930980, MONDO:0007783, OMIM 145600.

Allele frequency attached by ClinVar (database versions not stated): TOPMed below 0.00001; gnomAD exomes 0.00001.
gnomAD v4.1: 17 of 1,614,108 alleles (0.0011%); highest among the groups gnomAD compares: African/African-American, 0.0013%; no homozygotes.

Submissions (3):

All of Us Research Program, National Institutes of Health
Classification: Uncertain significance for Malignant hyperthermia, susceptibility to, 1. Last evaluated: 2024-05-30. Review status: criteria provided, single submitter. Criteria: ACMG Guidelines, 2015. Collection method: clinical testing. Allele origin: germline. Inheritance: Autosomal dominant inheritance. Observed: 3 variant alleles, 3 heterozygotes.
Comment: This missense variant replaces asparagine with serine at codon 3962 of the RYR1 protein. Computational prediction is inconclusive regarding the impact of this variant on protein structure and function (internally defined REVEL score threshold 0.6 < inconclusive < 0.85, PMID: 27666373). To our knowledge, functional studies have not been reported for this variant. This variant has not been reported in individuals affected with RYR1-related disorders in the literature. This variant has been identified in 1/31388 chromosomes in the general population by the Genome Aggregation Database (gnomAD). The available evidence is insufficient to determine the role of this variant in disease conclusively. Therefore, this variant is classified as a Variant of Uncertain Significance.

This study involves interpretation of variants in research participants for the purpose of population health screening. Participant phenotype was not available at the time of variant classification. Additional details can be found in publication PMID: 35346344, PMCID: PMC8962531

PreventionGenetics, part of Exact Sciences
Classification: Uncertain significance for RYR1-related condition. Last evaluated: 2022-11-16. Review status: criteria provided, single submitter. Criteria: ACMG Guidelines, 2015. Collection method: clinical testing. Allele origin: germline.
Comment: The RYR1 c.11885A>G variant is predicted to result in the amino acid substitution p.Asn3962Ser. To our knowledge, this variant has not been reported in the literature. This variant is reported in 0.0065% of alleles in individuals of European (Non-Finnish) descent in gnomAD. At this time, the clinical significance of this variant is uncertain due to the absence of conclusive functional and genetic evidence.

Labcorp Genetics (formerly Invitae), Labcorp
Classification: Uncertain significance for RYR1-related disorder. Last evaluated: 2022-09-18. Review status: criteria provided, single submitter. Criteria: Invitae Variant Classification Sherloc (09022015). Collection method: clinical testing. Allele origin: germline.
Comment: This sequence change replaces asparagine, which is neutral and polar, with serine, which is neutral and polar, at codon 3962 of the RYR1 protein (p.Asn3962Ser). This variant is present in population databases (no rsID available, gnomAD 0.007%). This variant has not been reported in the literature in individuals affected with RYR1-related conditions. Advanced modeling of protein sequence and biophysical properties (such as structural, functional, and spatial information, amino acid conservation, physicochemical variation, residue mobility, and thermodynamic stability) has been performed at Invitae for this missense variant, however the output from this modeling did not meet the statistical confidence thresholds required to predict the impact of this variant on RYR1 protein function. In summary, the available evidence is currently insufficient to determine the role of this variant in disease. Therefore, it has been classified as a Variant of Uncertain Significance.